The following is an entry in ClinVar:

ClinVar aggregate classification (germline): Uncertain significance. Review status: criteria provided, multiple submitters, no conflicts (2 of 4 stars). 3 submissions from 3 submitters: Uncertain significance (2). 1 of the submissions does not count toward it. Last evaluated 2025-06-01.

Conditions:
Hemolytic anemia. Identifiers: MedGen C0002878, MONDO:0003664, HP:0001878.
Hemolytic anemia due to glucophosphate isomerase deficiency (CNSHA4). Also called: ANEMIA, CONGENITAL, NONSPHEROCYTIC HEMOLYTIC, 4. Identifiers: Orphanet 712, MedGen C0272064, MONDO:0013275, OMIM 613470.

Allele frequency attached by ClinVar (database versions not stated): gnomAD exomes below 0.00001 and 0.00001; TOPMed 0.00001; ExAC 0.00002.

Submissions (3):

CeGaT Center for Human Genetics Tuebingen
Classification: Uncertain significance. Last evaluated: 2025-06-01. Review status: criteria provided, single submitter. Criteria: CeGaT Center For Human Genetics Tuebingen Variant Classification Criteria Version 2. Collection method: clinical testing. Allele origin: germline. Affected: yes. Observed: 1 variant allele.
Comment: GPI: PM2, PP3

ARUP Laboratories, Molecular Genetics and Genomics, ARUP Laboratories
Classification: Uncertain significance for Hemolytic anemia due to glucophosphate isomerase deficiency. Last evaluated: 2018-07-28. Review status: criteria provided, single submitter. Criteria: ARUP Molecular Germline Variant Investigation Process. Collection method: clinical testing. Allele origin: germline.

NIHR Bioresource Rare Diseases, University of Cambridge
Classification: Likely pathogenic for Hemolytic anemia. Review status: no assertion criteria provided. Collection method: research. Allele origin: unknown. Affected: yes. Observed: 1 variant allele. Not counted in ClinVar's aggregate classification.

Literature cited by the submitters: PubMed 32581362 (cited by NIHR Bioresource Rare Diseases, University of Cambridge).

NM_000175.5(GPI):c.572A>G (p.His191Arg)

Gene: GPI (glucose-6-phosphate isomerase; plus strand). Cytogenetic location: 19q13.11.
Variant type: single nucleotide variant.
Coding change: c.572A>G on transcript NM_000175.5 (MANE Select); coding-DNA position 572, A replaced by G.
Protein change: p.His191Arg; replaces histidine 191 with arginine.
Molecular consequence: missense variant.
Genome position (GRCh38, 1-based): chr19:34,377,820, A>G. VCF-style: chr19-34377820-A-G. GRCh37 (hg19) VCF-style: chr19-34868725-A-G.
Other names: c.605A>G, p.His202Arg (NM_001184722.1); c.689A>G, p.His230Arg (NM_001289789.1); c.488A>G, p.His163Arg (NM_001289790.3); c.572A>G, p.His191Arg (NM_001329909.1, NM_001329910.1, NM_001329911.2); short protein forms H163R, H191R, H202R, H230R.
Identifiers: ClinVar variation 811712 (VCV000811712.20), dbSNP rs758281551, ClinGen allele CA9367104.